The following is an entry in ClinVar:

ClinVar aggregate classification (germline): Conflicting classifications of pathogenicity. Review status: criteria provided, conflicting classifications (1 of 4 stars). 10 submissions from 10 submitters: Uncertain significance (7); Benign (1). 2 of the submissions do not count toward it. Last evaluated 2025-12-09.

Conditions:
Auditory neuropathy, autosomal dominant 3 (AUNA3). Identifiers: MedGen C5676964, MONDO:0859235, OMIM 619832.
Arrhythmogenic right ventricular dysplasia 5. Also called: ARRHYTHMOGENIC RIGHT VENTRICULAR DYSPLASIA, FAMILIAL, 5; Arrhythmogenic Right Ventricular Dysplasia/Cardiomyopathy 5. Identifiers: MedGen C1858379, MONDO:0011459, OMIM 604400.
Emery-Dreifuss muscular dystrophy 7, autosomal dominant (EDMD7). Also called: Emery-Dreifuss muscular dystrophy 7, AD. Identifiers: Orphanet 261, MedGen C3553060, MONDO:0013677, OMIM 614302.
Cardiomyopathy (CMYO). Also called: Cardiomyopathies. Identifiers: Orphanet 167848, MedGen C0878544, MONDO:0004994, HP:0001638. Inheritance: Various modes of inheritance.
Cardiovascular phenotype. Identifiers: MedGen CN230736.

Allele frequency attached by ClinVar (database versions not stated): gnomAD 0.00004; TOPMed 0.00004; gnomAD exomes 0.00003 and 0.00010; ExAC 0.00003.
gnomAD v4.1: 145 of 1,612,720 alleles (0.009%); highest among the groups gnomAD compares: Non-Finnish European, 0.012%; no homozygotes.

Submissions (10):

Labcorp Genetics (formerly Invitae), Labcorp
Classification: Uncertain significance for Arrhythmogenic right ventricular dysplasia 5. Last evaluated: 2025-12-09. Review status: criteria provided, single submitter. Criteria: Invitae Variant Classification Sherloc (09022015). Collection method: clinical testing. Allele origin: germline.
Comment: This sequence change replaces leucine, which is neutral and non-polar, with methionine, which is neutral and non-polar, at codon 248 of the TMEM43 protein (p.Leu248Met). This variant is present in population databases (rs780389237, gnomAD 0.006%). This variant has not been reported in the literature in individuals affected with TMEM43-related conditions. ClinVar contains an entry for this variant (Variation ID: 923336). An algorithm developed to predict the effect of missense changes on protein structure and function (PolyPhen-2) suggests that this variant is likely to be disruptive. In summary, the available evidence is currently insufficient to determine the role of this variant in disease. Therefore, it has been classified as a Variant of Uncertain Significance.

All of Us Research Program, National Institutes of Health
Classification: Uncertain significance for Arrhythmogenic right ventricular dysplasia 5. Last evaluated: 2024-07-20. Review status: criteria provided, single submitter. Criteria: ACMG Guidelines, 2015. Collection method: clinical testing. Allele origin: germline. Inheritance: Autosomal dominant inheritance. Observed: 11 variant alleles, 11 heterozygotes.
Comment: This missense variant replaces leucine with methionine at codon 248 of the TMEM43 protein. Computational prediction suggests that this variant may not impact protein structure and function (internally defined REVEL score threshold <= 0.5, PMID: 27666373). To our knowledge, functional studies have not been reported for this variant. This variant has not been reported in individuals affected with cardiovascular disorders in the literature. This variant has been identified in 8/281422 chromosomes in the general population by the Genome Aggregation Database (gnomAD). The available evidence is insufficient to determine the role of this variant in disease conclusively. Therefore, this variant is classified as a Variant of Uncertain Significance.

This study involves interpretation of variants in research participants for the purpose of population health screening. Participant phenotype was not available at the time of variant classification. Additional details can be found in publication PMID: 35346344, PMCID: PMC8962531

Color Diagnostics, LLC DBA Color Health
Classification: Uncertain significance for Cardiomyopathy. Last evaluated: 2024-07-15. Review status: criteria provided, single submitter. Criteria: ACMG Guidelines, 2015. Collection method: clinical testing. Allele origin: germline.
Comment: This missense variant replaces leucine with methionine at codon 248 of the TMEM43 protein. Computational prediction suggests that this variant may not impact protein structure and function (internally defined REVEL score threshold <= 0.5, PMID: 27666373). To our knowledge, functional studies have not been reported for this variant. This variant has not been reported in individuals affected with TMEM43-related disorders in the literature. This variant has been identified in 8/281422 chromosomes in the general population by the Genome Aggregation Database (gnomAD). The available evidence is insufficient to determine the role of this variant in disease conclusively. Therefore, this variant is classified as a Variant of Uncertain Significance.

GeneDx
Classification: Uncertain significance. Last evaluated: 2023-12-28. Review status: criteria provided, single submitter. Criteria: GeneDx Variant Classification Process June 2021. Collection method: clinical testing. Allele origin: germline. Affected: yes.
Comment: Has not been previously published as pathogenic or benign to our knowledge; In silico analysis supports that this missense variant does not alter protein structure/function

Ambry Genetics
Classification: Benign for Cardiovascular phenotype. Last evaluated: 2023-10-26. Review status: criteria provided, single submitter. Criteria: Ambry Variant Classification Scheme 2023. Collection method: clinical testing. Allele origin: germline.

Molecular Genetics, Royal Melbourne Hospital
Classification: Uncertain significance for Arrhythmogenic right ventricular dysplasia 5. Last evaluated: 2023-09-04. Review status: criteria provided, single submitter. Criteria: ACMG Guidelines, 2015. Collection method: clinical testing. Allele origin: germline. Inheritance: Autosomal dominant inheritance.
Comment: This sequence change in TMEM43 is predicted to replace leucine with methionine at codon 248, p.(Leu248Met). The leucine residue is highly conserved (100 vertebrates, UCSC), and is located in the perinuclear space. There is a small physicochemical difference between leucine and methionine. The highest population minor allele frequency in the population database gnomAD v2.1 is 0.006% (8/128,976 alleles) in the European non-Finnish population. To our knowledge, this variant has not been previously reported in the relevant scientific literature or databases. Computational evidence predicts a benign effect for the missense substitution (REVEL = 0.181). Based on the classification scheme RMH Modified ACMG/AMP Guidelines v1.6.1, this variant is classified as a VARIANT OF UNCERTAIN SIGNIFICANCE. Following criteria are met: BP4

ARUP Laboratories, Molecular Genetics and Genomics, ARUP Laboratories
Classification: Uncertain significance. Last evaluated: 2022-04-26. Review status: criteria provided, single submitter. Criteria: ARUP Molecular Germline Variant Investigation Process 2021. Collection method: clinical testing. Allele origin: germline.
Comment: The TMEM43 c.742C>A; p.Leu248Met variant (rs780389237), to our knowledge, is not reported in the medical literature but is reported in ClinVar (Variation ID: 923336). This variant is reported in the non-Finnish European population with an overall allele frequency of 0.006% (8/128,976 alleles) in the Genome Aggregation Database. The leucine at codon 248 is moderately conserved but computational analyses are uncertain whether this variant is neutral or deleterious (REVEL: 0.181). Due to limited information, the clinical significance of the p.Leu248Met variant is uncertain at this time.

Fulgent Genetics
Classification: Uncertain significance for Arrhythmogenic right ventricular dysplasia 5; Emery-Dreifuss muscular dystrophy 7, autosomal dominant; Auditory neuropathy, autosomal dominant 3. Last evaluated: 2021-07-21. Review status: criteria provided, single submitter. Criteria: ACMG Guidelines, 2015. Collection method: clinical testing. Allele origin: unknown.

Clinical Genetics DNA and cytogenetics Diagnostics Lab, Erasmus MC, Erasmus Medical Center
Classification: Likely benign. Review status: no assertion criteria provided. Collection method: clinical testing. Allele origin: germline. Affected: yes. Study: VKGL Data-share Consensus. Not counted in ClinVar's aggregate classification.

Diagnostic Laboratory, Department of Genetics, University Medical Center Groningen
Classification: Likely benign. Review status: no assertion criteria provided. Collection method: clinical testing. Allele origin: germline. Affected: yes. Study: VKGL Data-share Consensus. Not counted in ClinVar's aggregate classification.

Literature cited by the submitters: PubMed 37477868 (cited by Ambry Genetics).

NM_024334.3(TMEM43):c.742C>A (p.Leu248Met)

Gene: TMEM43 (transmembrane protein 43; plus strand). Cytogenetic location: 3p25.1.
Variant type: single nucleotide variant.
Coding change: c.742C>A on transcript NM_024334.3 (MANE Select); coding-DNA position 742, C replaced by A.
Protein change: p.Leu248Met; replaces leucine 248 with methionine.
Molecular consequence: missense variant.
Genome position (GRCh38, 1-based): chr3:14,135,194, C>A. VCF-style: chr3-14135194-C-A. GRCh37 (hg19) VCF-style: chr3-14176694-C-A.
Other names: short protein forms L248M.
Identifiers: ClinVar variation 923336 (VCV000923336.27), dbSNP rs780389237, ClinGen allele CA055201.
Genomic context (GRCh38, chr3:14,135,194, plus strand): 5'-TCCCTGCTTCTCTTCCACCCCCAGGTGGGAGACTTGCGTGTCTCCTTTTCCTATGCTGGA[C>A]TGAGCGGCGATGACCCTGACCTGGGCCCAGCTCACGTGGTAACCTGGCTTCCCAGGGGCA-3'
Protein context (NP_077310.1, residues 238-258): DLRVSFSYAG[Leu248Met]SGDDPDLGPA